The following is an entry in ClinVar:

ClinVar aggregate classification (germline): Uncertain significance. Review status: criteria provided, multiple submitters, no conflicts (2 of 4 stars). 2 submissions from 2 submitters: Uncertain significance (2). Last evaluated 2024-10-09.

Conditions:
Hereditary cancer-predisposing syndrome. Also called: Neoplastic Syndromes, Hereditary; Tumor predisposition; Hereditary neoplastic syndrome; Hereditary Cancer Syndrome. Identifiers: Orphanet 140162, MedGen C0027672, MeSH D009386, MONDO:0015356.
Cardiovascular phenotype. Identifiers: MedGen CN230736.

Submissions (2):

Labcorp Genetics (formerly Invitae), Labcorp
Classification: Uncertain significance. Last evaluated: 2024-10-09. Review status: criteria provided, single submitter. Criteria: Invitae Variant Classification Sherloc (09022015). Collection method: clinical testing. Allele origin: germline.
Comment: This sequence change replaces valine, which is neutral and non-polar, with leucine, which is neutral and non-polar, at codon 773 of the LZTR1 protein (p.Val773Leu). This variant is not present in population databases (gnomAD no frequency). This variant has not been reported in the literature in individuals affected with LZTR1-related conditions. Invitae Evidence Modeling of protein sequence and biophysical properties (such as structural, functional, and spatial information, amino acid conservation, physicochemical variation, residue mobility, and thermodynamic stability) indicates that this missense variant is not expected to disrupt LZTR1 protein function with a negative predictive value of 80%. In summary, the available evidence is currently insufficient to determine the role of this variant in disease. Therefore, it has been classified as a Variant of Uncertain Significance.

Ambry Genetics
Classification: Uncertain significance for Cardiovascular phenotype; Hereditary cancer-predisposing syndrome. Last evaluated: 2023-05-07. Review status: criteria provided, single submitter. Criteria: Ambry Variant Classification Scheme 2023. Collection method: clinical testing. Allele origin: germline.
Comment: The p.V773L variant (also known as c.2317G>C), located in coding exon 19 of the LZTR1 gene, results from a G to C substitution at nucleotide position 2317. The valine at codon 773 is replaced by leucine, an amino acid with highly similar properties. This amino acid position is conserved. In addition, this alteration is predicted to be deleterious by in silico analysis. Since supporting evidence is limited at this time, the clinical significance of this alteration remains unclear.

NM_006767.4(LZTR1):c.2317G>C (p.Val773Leu)

Gene: LZTR1 (leucine zipper like post translational regulator 1; plus strand). Cytogenetic location: 22q11.21.
Variant type: single nucleotide variant.
Coding change: c.2317G>C on transcript NM_006767.4 (MANE Select); coding-DNA position 2317, G replaced by C.
Protein change: p.Val773Leu; replaces valine 773 with leucine.
Molecular consequence: missense variant.
Genome position (GRCh38, 1-based): chr22:20,996,793, G>C. VCF-style: chr22-20996793-G-C. GRCh37 (hg19) VCF-style: chr22-21351082-G-C.
Other names: short protein forms V773L.
Identifiers: ClinVar variation 3238231 (VCV003238231.3), dbSNP rs199586863.